The following is an entry in ClinVar:

ClinVar aggregate classification (germline): Likely benign (1 of 4 stars; one submission).

Allele frequency attached by ClinVar (database versions not stated): gnomAD 0.00008 and 0.00010; gnomAD exomes 0.00014; TOPMed 0.00014; ExAC 0.00017.
gnomAD v4.1: 103 of 1,135,790 alleles (0.0091%); highest among the groups gnomAD compares: Middle Eastern, 0.026%; no homozygotes.

Submission:

GeneDx
Classification: Likely benign. Last evaluated: 2018-02-13. Review status: criteria provided, single submitter. Criteria: GeneDx Variant Classification (06012015). Collection method: clinical testing. Allele origin: germline. Affected: yes.
Comment: This variant is considered likely benign or benign based on one or more of the following criteria: it is a conservative change, it occurs at a poorly conserved position in the protein, it is predicted to be benign by multiple in silico algorithms, and/or has population frequency not consistent with disease.

NM_005120.3(MED12):c.-47A>T

Gene: MED12 (mediator complex subunit 12; plus strand). Cytogenetic location: Xq13.1.
Variant type: single nucleotide variant.
Coding change: c.-47A>T on transcript NM_005120.3 (MANE Select); 47 bases upstream of the start codon, A replaced by T.
Molecular consequence: 5 prime UTR variant.
Genome position (GRCh38, 1-based): chrX:71,118,708, A>T. VCF-style: chrX-71118708-A-T. GRCh37 (hg19) VCF-style: chrX-70338558-A-T.
Identifiers: ClinVar variation 384798 (VCV000384798.1), dbSNP rs767078113, ClinGen allele CA10443966.